The following is an entry in ClinVar:

NM_007194.4(CHEK2):c.635A>T (p.Tyr212Phe)

Gene: CHEK2 (checkpoint kinase 2; minus strand). Cytogenetic location: 22q12.1.
Variant type: single nucleotide variant.
Coding change: c.635A>T on transcript NM_007194.4 (MANE Select); coding-DNA position 635, A replaced by T.
Protein change: p.Tyr212Phe; replaces tyrosine 212 with phenylalanine.
Molecular consequence: missense variant. On other transcripts: 5 prime UTR variant (2), intron variant (1).
Genome position (GRCh38, 1-based): chr22:28,719,443, T>A on the plus strand (A>T on the coding strand, the complement: CHEK2 is on the minus strand). VCF-style: chr22-28719443-T-A. GRCh37 (hg19) VCF-style: chr22-29115431-T-A.
Other names: c.764A>T, p.Tyr255Phe (NM_001005735.3, NM_001438294.1); c.-29A>T (NM_001257387.3, NM_001437942.1); c.728A>T, p.Tyr243Phe (NM_001438293.1, NM_001438295.1); c.635A>T, p.Tyr212Phe (NM_145862.3); c.482+5443A>T (NM_001349956.3); short protein forms Y255F, Y212F, Y243F.
Identifiers: ClinVar variation 2838751 (VCV002838751.3), dbSNP rs2053693253, ClinGen allele CA411105029.

ClinVar aggregate classification (germline): Uncertain significance (1 of 4 stars; one submission).

Conditions:
Familial cancer of breast. Also called: hereditary breast carcinoma; BREAST CANCER, FAMILIAL; Hereditary breast cancer. Identifiers: Orphanet 227535, MedGen C0346153, MONDO:0016419, OMIM 114480. Disease mechanism: loss of function.

Submission:

Labcorp Genetics (formerly Invitae), Labcorp
Classification: Uncertain significance for Familial cancer of breast. Last evaluated: 2023-02-18. Review status: criteria provided, single submitter. Criteria: Invitae Variant Classification Sherloc (09022015). Collection method: clinical testing. Allele origin: germline.
Comment: In summary, the available evidence is currently insufficient to determine the role of this variant in disease. Therefore, it has been classified as a Variant of Uncertain Significance. An algorithm developed to predict the effect of missense changes on protein structure and function (PolyPhen-2) suggests that this variant is likely to be tolerated. This variant has not been reported in the literature in individuals affected with CHEK2-related conditions. This variant is not present in population databases (gnomAD no frequency). This sequence change replaces tyrosine, which is neutral and polar, with phenylalanine, which is neutral and non-polar, at codon 212 of the CHEK2 protein (p.Tyr212Phe).